The following is an entry in ClinVar:

NM_001009944.3(PKD1):c.2452G>C (p.Val818Leu)

Gene: PKD1 (polycystin 1, transient receptor potential channel interacting; minus strand). Cytogenetic location: 16p13.3.
Variant type: single nucleotide variant.
Coding change: c.2452G>C on transcript NM_001009944.3 (MANE Select); coding-DNA position 2452, G replaced by C.
Protein change: p.Val818Leu; replaces valine 818 with leucine.
Molecular consequence: missense variant.
Genome position (GRCh38, 1-based): chr16:2,114,571, C>G on the plus strand (G>C on the coding strand, the complement: PKD1 is on the minus strand). VCF-style: chr16-2114571-C-G. GRCh37 (hg19) VCF-style: chr16-2164572-C-G.
Other names: c.2452G>C, p.Val818Leu (NM_000296.4); short protein forms V818L.
Identifiers: ClinVar variation 997143 (VCV000997143.11), dbSNP rs2092597752, ClinGen allele CA394387809.

ClinVar aggregate classification (germline): Uncertain significance. Review status: criteria provided, single submitter (1 of 4 stars). 2 submissions from 2 submitters: Uncertain significance (1). 1 of the submissions does not count toward it. Last evaluated 2025-06-01.

Conditions:
Polycystic kidney disease. Also called: Kidney, Polycystic; Polycystic kidney dysplasia. Identifiers: MedGen C0022680, MeSH D007690, MONDO:0020642, HP:0000113.

Allele frequency attached by ClinVar (database versions not stated): TOPMed below 0.00001.

Submissions (2):

CeGaT Center for Human Genetics Tuebingen
Classification: Uncertain significance. Last evaluated: 2025-06-01. Review status: criteria provided, single submitter. Criteria: CeGaT Center For Human Genetics Tuebingen Variant Classification Criteria Version 2. Collection method: clinical testing. Allele origin: germline. Affected: yes. Observed: 1 variant allele.
Comment: PKD1: PM2, BP4

Department of Pathology and Laboratory Medicine, Sinai Health System
Classification: Uncertain significance for Polycystic Kidney disease. Review status: no assertion criteria provided. Collection method: clinical testing. Allele origin: unknown. Affected: yes. Study: The Canadian Open Genetics Repository (COGR). Not counted in ClinVar's aggregate classification.
Comment: The PKD1 p.Val818Leu variant was not identified in the literature nor was it identified in the dbSNP, ClinVar, LOVD 3.0, ADPKD Mutation Database or the PKD1-LOVD database. It was not identified in the 1000 Genomes Project, the NHLBI GO Exome Sequencing Project, the Exome Aggregation Consortium (August 8th 2016), or the Genome Aggregation Database (Feb 27, 2017). The p.Val818 residue is not conserved in mammals and computational analyses (PolyPhen-2, SIFT, AlignGVGD, BLOSUM, MutationTaster) do not suggest a high likelihood of impact to the protein; however, this information is not predictive enough to rule out pathogenicity. The variant occurs outside of the splicing consensus sequence and 2 of 5 in silico or computational prediction software programs (SpliceSiteFinder, MaxEntScan, NNSPLICE, GeneSplicer, HumanSpliceFinder) predict a greater than 10% difference in splicing; this is not very predictive of pathogenicity. Val818Leu variant does not have clinical significance. In summary, based on the above information the clinical significance of this variant cannot be determined with certainty at this time. This variant is classified as a variant of uncertain significance.